The following is an entry in ClinVar:

ClinVar aggregate classification (germline): Pathogenic. Review status: criteria provided, multiple submitters, no conflicts (2 of 4 stars). 2 submissions from 2 submitters: Pathogenic (2). Last evaluated 2024-05-16.

Conditions:
Alzheimer disease. Also called: Presenile and senile dementia; Alzheimer's disease. Identifiers: Orphanet 1020, MedGen C0002395, MeSH D000544, MONDO:0004975, HP:0002511.

Submissions (2):

Labcorp Genetics (formerly Invitae), Labcorp
Classification: Pathogenic for Alzheimer disease. Last evaluated: 2024-05-16. Review status: criteria provided, single submitter. Criteria: Invitae Variant Classification Sherloc (09022015). Collection method: clinical testing. Allele origin: germline.
Comment: This sequence change replaces isoleucine, which is neutral and non-polar, with phenylalanine, which is neutral and non-polar, at codon 716 of the APP protein (p.Ile716Phe). This variant is not present in population databases (gnomAD no frequency). This missense change has been observed in individuals with clinical features of Alzheimer disease (PMID: 18667258, 20010303; Invitae). ClinVar contains an entry for this variant (Variation ID: 2498894). Advanced modeling of protein sequence and biophysical properties (such as structural, functional, and spatial information, amino acid conservation, physicochemical variation, residue mobility, and thermodynamic stability) performed at Invitae indicates that this missense variant is expected to disrupt APP protein function with a positive predictive value of 95%. Experimental studies have shown that this missense change affects APP function (PMID: 20010303). This variant disrupts the p.Ile716 amino acid residue in APP. Other variant(s) that disrupt this residue have been determined to be pathogenic (PMID: 12392798, 24117942, 31914229). This suggests that this residue is clinically significant, and that variants that disrupt this residue are likely to be disease-causing. For these reasons, this variant has been classified as Pathogenic.

CeGaT Center for Human Genetics Tuebingen
Classification: Pathogenic. Last evaluated: 2023-02-01. Review status: criteria provided, single submitter. Criteria: CeGaT Center For Human Genetics Tuebingen Variant Classification Criteria Version 2. Collection method: clinical testing. Allele origin: germline. Affected: yes. Observed: 1 variant allele.
Comment: APP: PM1, PM2, PM5, PS4:Moderate, PP3, PS3:Supporting

Literature cited by the submitters: PubMed 18667258 (cited by Labcorp Genetics (formerly Invitae), Labcorp); PubMed 20010303 (cited by Labcorp Genetics (formerly Invitae), Labcorp); PubMed 12392798 (cited by Labcorp Genetics (formerly Invitae), Labcorp); PubMed 24117942 (cited by Labcorp Genetics (formerly Invitae), Labcorp); PubMed 31914229 (cited by Labcorp Genetics (formerly Invitae), Labcorp).

NM_000484.4(APP):c.2146A>T (p.Ile716Phe)

Gene: APP (amyloid beta precursor protein; minus strand). Cytogenetic location: 21q21.3.
Variant type: single nucleotide variant.
Coding change: c.2146A>T on transcript NM_000484.4 (MANE Select); coding-DNA position 2146, A replaced by T.
Protein change: p.Ile716Phe; replaces isoleucine 716 with phenylalanine.
Molecular consequence: missense variant.
Genome position (GRCh38, 1-based): chr21:25,891,787, T>A on the plus strand (A>T on the coding strand, the complement: APP is on the minus strand). VCF-style: chr21-25891787-T-A. GRCh37 (hg19) VCF-style: chr21-27264099-T-A.
Other names: c.2074A>T, p.Ile692Phe (NM_001136016.3); c.1753A>T, p.Ile585Phe (NM_001136129.3); c.1978A>T, p.Ile660Phe (NM_001136130.3, NM_001385253.1); c.1816A>T, p.Ile606Phe (NM_001136131.3); c.2092A>T, p.Ile698Phe (NM_001204301.2); c.2035A>T, p.Ile679Phe (NM_001204302.2); c.1867A>T, p.Ile623Phe (NM_001204303.2); c.2089A>T, p.Ile697Phe (NM_201413.3); and 1 more; short protein forms I585F, I606F, I623F, I641F, I660F, I679F, I692F, I697F.
Identifiers: ClinVar variation 2498894 (VCV002498894.30), dbSNP rs63750399, ClinGen allele CA409805555.